The following is an entry in ClinVar:

NM_000428.3(LTBP2):c.370A>G (p.Ser124Gly)

Gene: LTBP2 (latent transforming growth factor beta binding protein 2; minus strand). Cytogenetic location: 14q24.3.
Variant type: single nucleotide variant.
Coding change: c.370A>G on transcript NM_000428.3 (MANE Select); coding-DNA position 370, A replaced by G.
Protein change: p.Ser124Gly; replaces serine 124 with glycine.
Molecular consequence: missense variant.
Genome position (GRCh38, 1-based): chr14:74,611,575, T>C on the plus strand (A>G on the coding strand, the complement: LTBP2 is on the minus strand). VCF-style: chr14-74611575-T-C. GRCh37 (hg19) VCF-style: chr14-75078278-T-C.
Other names: short protein forms S124G.
Identifiers: ClinVar variation 2105424 (VCV002105424.4), dbSNP rs2088609454, ClinGen allele CA390387795.
Genomic context (GRCh38, chr14:74,611,575, plus strand): 5'-GTGGGAGAGCCGGCGCGGCCCGGGTCCGGGGTGCTGGTTGCTGCTGGCCCAGGGGAGTGC[T>C]TCTCCGGGTCTGCGCAGGTGGCTGGACACGCCGCGACTGCTGCGCGCGGGACGGCCTCCT-3'
Protein context (NP_000419.1, residues 114-134): RVQPPAQTRR[Ser124Gly]TPLGQQQPAP

ClinVar aggregate classification (germline): Uncertain significance (1 of 4 stars; one submission).

Allele frequency attached by ClinVar (database versions not stated): TOPMed below 0.00001; gnomAD 0.00001.

Submission:

Labcorp Genetics (formerly Invitae), Labcorp
Classification: Uncertain significance. Last evaluated: 2022-03-01. Review status: criteria provided, single submitter. Criteria: Invitae Variant Classification Sherloc (09022015). Collection method: clinical testing. Allele origin: germline.
Comment: This variant is not present in population databases (gnomAD no frequency). In summary, the available evidence is currently insufficient to determine the role of this variant in disease. Therefore, it has been classified as a Variant of Uncertain Significance. Algorithms developed to predict the effect of missense changes on protein structure and function output the following: SIFT: "Deleterious"; PolyPhen-2: "Benign"; Align-GVGD: "Class C55". The glycine amino acid residue is found in multiple mammalian species, which suggests that this missense change does not adversely affect protein function. This variant has not been reported in the literature in individuals affected with LTBP2-related conditions. This sequence change replaces serine, which is neutral and polar, with glycine, which is neutral and non-polar, at codon 124 of the LTBP2 protein (p.Ser124Gly).